The following is an entry in ClinVar:

ClinVar aggregate classification (germline): Uncertain significance (1 of 4 stars; one submission).

Allele frequency attached by ClinVar (database versions not stated): TOPMed 0.00001.
gnomAD v4.1: 7 of 1,613,524 alleles (0.00043%); highest among the groups gnomAD compares: African/African-American, 0.008%; no homozygotes.

Submission:

Labcorp Genetics (formerly Invitae), Labcorp
Classification: Uncertain significance. Last evaluated: 2022-06-27. Review status: criteria provided, single submitter. Criteria: Invitae Variant Classification Sherloc (09022015). Collection method: clinical testing. Allele origin: germline.
Comment: In summary, the available evidence is currently insufficient to determine the role of this variant in disease. Therefore, it has been classified as a Variant of Uncertain Significance. Algorithms developed to predict the effect of missense changes on protein structure and function are either unavailable or do not agree on the potential impact of this missense change (SIFT: "Deleterious"; PolyPhen-2: "Benign"; Align-GVGD: "Class C35"). ClinVar contains an entry for this variant (Variation ID: 1017478). This variant has not been reported in the literature in individuals affected with TTLL5-related conditions. This variant is present in population databases (rs201413053, gnomAD 0.02%). This sequence change replaces tyrosine, which is neutral and polar, with serine, which is neutral and polar, at codon 507 of the TTLL5 protein (p.Tyr507Ser).

NM_015072.5(TTLL5):c.1520A>C (p.Tyr507Ser)

Gene: TTLL5 (tubulin tyrosine ligase like 5; plus strand). Cytogenetic location: 14q24.3.
Variant type: single nucleotide variant.
Coding change: c.1520A>C on transcript NM_015072.5 (MANE Select); coding-DNA position 1520, A replaced by C.
Protein change: p.Tyr507Ser; replaces tyrosine 507 with serine.
Molecular consequence: missense variant.
Genome position (GRCh38, 1-based): chr14:75,752,925, A>C. VCF-style: chr14-75752925-A-C. GRCh37 (hg19) VCF-style: chr14-76219268-A-C.
Other names: short protein forms Y507S.
Identifiers: ClinVar variation 1017478 (VCV001017478.8), dbSNP rs201413053, ClinGen allele CA7279415.